The following is an entry in ClinVar:

ClinVar aggregate classification (germline): Conflicting classifications of pathogenicity. Review status: criteria provided, conflicting classifications (1 of 4 stars). 4 submissions from 4 submitters: Uncertain significance (3); Likely benign (1). Last evaluated 2025-05-28.

Conditions:
Hereditary cancer-predisposing syndrome. Also called: Tumor predisposition; Hereditary Cancer Syndrome; Hereditary neoplastic syndrome; Neoplastic Syndromes, Hereditary. Identifiers: Orphanet 140162, MedGen C0027672, MeSH D009386, MONDO:0015356.
Breast-ovarian cancer, familial, susceptibility to, 4. Identifiers: Orphanet 145, MedGen C3280345, MONDO:0013669, OMIM 614291.

Allele frequency attached by ClinVar (database versions not stated): gnomAD exomes below 0.00001; TOPMed below 0.00001.
gnomAD v4.1: 2 of 1,614,108 alleles (0.00012%); highest among the groups gnomAD compares: Non-Finnish European, 0.000085%; no homozygotes.

Submissions (4):

Labcorp Genetics (formerly Invitae), Labcorp
Classification: Uncertain significance for Breast-ovarian cancer, familial, susceptibility to, 4. Last evaluated: 2025-05-28. Review status: criteria provided, single submitter. Criteria: Invitae Variant Classification Sherloc (09022015). Collection method: clinical testing. Allele origin: germline.
Comment: This sequence change replaces isoleucine, which is neutral and non-polar, with threonine, which is neutral and polar, at codon 281 of the RAD51D protein (p.Ile281Thr). This variant is not present in population databases (gnomAD no frequency). This variant has not been reported in the literature in individuals affected with RAD51D-related conditions. ClinVar contains an entry for this variant (Variation ID: 410558). Invitae Evidence Modeling of protein sequence and biophysical properties (such as structural, functional, and spatial information, amino acid conservation, physicochemical variation, residue mobility, and thermodynamic stability) indicates that this missense variant is not expected to disrupt RAD51D protein function with a negative predictive value of 80%. In summary, the available evidence is currently insufficient to determine the role of this variant in disease. Therefore, it has been classified as a Variant of Uncertain Significance.

Color Diagnostics, LLC DBA Color Health
Classification: Uncertain significance for Hereditary cancer-predisposing syndrome. Last evaluated: 2024-03-06. Review status: criteria provided, single submitter. Criteria: ACMG Guidelines, 2015. Collection method: clinical testing. Allele origin: germline.
Comment: This missense variant replaces isoleucine with threonine at codon 281 of the RAD51D protein. Computational prediction suggests that this variant may not impact protein structure and function (internally defined REVEL score threshold <= 0.5, PMID: 27666373). To our knowledge, functional studies have not been reported for this variant. This variant has not been reported in individuals affected with hereditary cancer in the literature. This variant has not been identified in the general population by the Genome Aggregation Database (gnomAD). The available evidence is insufficient to determine the role of this variant in disease conclusively. Therefore, this variant is classified as a Variant of Uncertain Significance.

Ambry Genetics
Classification: Likely benign for Hereditary cancer-predisposing syndrome. Last evaluated: 2024-02-26. Review status: criteria provided, single submitter. Criteria: Ambry Variant Classification Scheme 2023. Collection method: clinical testing. Allele origin: germline.

Women's Health and Genetics/Laboratory Corporation of America, LabCorp
Classification: Uncertain significance. Last evaluated: 2023-08-19. Review status: criteria provided, single submitter. Criteria: LabCorp Variant Classification Summary - May 2015. Collection method: clinical testing. Allele origin: germline.

NM_002878.4(RAD51D):c.842T>C (p.Ile281Thr)

Genes: RAD51L3-RFFL (RAD51L3-RFFL readthrough; minus strand), RAD51D (RAD51 paralog D; minus strand). Cytogenetic location: 17q12.
Variant type: single nucleotide variant.
Coding change: c.842T>C on transcript NM_002878.4 (MANE Select); coding-DNA position 842, T replaced by C.
Protein change: p.Ile281Thr; replaces isoleucine 281 with threonine.
Molecular consequence: missense variant. On other transcripts: non-coding transcript variant (3).
Genome position (GRCh38, 1-based): chr17:35,101,262, A>G on the plus strand (T>C on the coding strand, the complement: RAD51D is on the minus strand). VCF-style: chr17-35101262-A-G. GRCh37 (hg19) VCF-style: chr17-33428281-A-G.
Other names: c.902T>C, p.Ile301Thr (NM_001142571.2); c.506T>C, p.Ile169Thr (NM_133629.3); short protein forms I281T, I301T, I169T.
Identifiers: ClinVar variation 410558 (VCV000410558.19), dbSNP rs1060502957, ClinGen allele CA16615303.